The following is an entry in ClinVar:

NM_138694.4(PKHD1):c.6866-1G>A

Gene: PKHD1 (PKHD1 ciliary IPT domain containing fibrocystin/polyductin; minus strand). Cytogenetic location: 6p12.2.
Variant type: single nucleotide variant.
Coding change: c.6866-1G>A on transcript NM_138694.4 (MANE Select); the canonical splice acceptor site of the intron before coding-DNA position 6866, G replaced by A.
Molecular consequence: splice acceptor variant.
Genome position (GRCh38, 1-based): chr6:51,903,728, C>T on the plus strand (G>A on the coding strand, the complement: PKHD1 is on the minus strand). VCF-style: chr6-51903728-C-T. GRCh37 (hg19) VCF-style: chr6-51768526-C-T.
Other names: c.6866-1G>A (NM_170724.3).
Identifiers: ClinVar variation 4816728 (VCV004816728.1).

ClinVar aggregate classification (germline): Likely pathogenic (1 of 4 stars; one submission).

Conditions:
Autosomal recessive polycystic kidney disease (ARPKD). Also called: AR polycystic kidney disease. Identifiers: Orphanet 731, Orphanet 8378, MedGen C0085548, MeSH D017044, MONDO:0009889.

gnomAD v4.1: 2 of 1,609,188 alleles (0.00012%); highest among the groups gnomAD compares: South Asian, 0.0022%; no homozygotes.

Submission:

Natera, Inc.
Classification: Likely pathogenic for Autosomal recessive polycystic kidney disease. Last evaluated: 2024-03-20. Review status: criteria provided, single submitter. Criteria: Natera Variant Classification Schema (03/2026). Collection method: clinical testing. Allele origin: germline.
Comment: The c.6866-1G>A variant in PKHD1 is a canonical splice acceptor site variant predicted to affect pre-mRNA splicing, which may result in an abnormal transcript and altered protein product. This variant is expected to result in nonsense mediated decay, truncation, or a dysfunctional protein product. This variant is rare in the general population with a frequency below the threshold expected for the associated phenotype(s). Given the available evidence, this variant is classified as Likely Pathogenic.